The following is an entry in ClinVar:

ClinVar aggregate classification (germline): Uncertain significance. Review status: criteria provided, multiple submitters, no conflicts (2 of 4 stars). 2 submissions from 2 submitters: Uncertain significance (2). Last evaluated 2025-07-28.

Conditions:
Fanconi anemia (FA). Also called: Fanconi's anemia. Identifiers: Orphanet 84, MedGen C0015625, MeSH D005199, MONDO:0019391.
Inborn genetic diseases. Identifiers: MedGen C0950123, MeSH D030342.

Allele frequency attached by ClinVar (database versions not stated): gnomAD exomes below 0.00001.
gnomAD v4.1: 2 of 1,614,142 alleles (0.00012%); highest among the groups gnomAD compares: Non-Finnish European, 0.00017%; no homozygotes.

Submissions (2):

Ambry Genetics
Classification: Uncertain significance for Inborn genetic diseases. Last evaluated: 2025-07-28. Review status: criteria provided, single submitter. Criteria: Ambry Variant Classification Scheme 2023. Collection method: clinical testing. Allele origin: germline.
Comment: The p.I1101V variant (also known as c.3301A>G), located in coding exon 33 of the FANCA gene, results from an A to G substitution at nucleotide position 3301. The isoleucine at codon 1101 is replaced by valine, an amino acid with highly similar properties. This amino acid position is conserved. In addition, this alteration is predicted to be tolerated by in silico analysis. Based on the available evidence, the clinical significance of this variant remains unclear.

Labcorp Genetics (formerly Invitae), Labcorp
Classification: Uncertain significance for Fanconi anemia. Last evaluated: 2021-09-01. Review status: criteria provided, single submitter. Criteria: Invitae Variant Classification Sherloc (09022015). Collection method: clinical testing. Allele origin: germline.
Comment: This sequence change replaces isoleucine with valine at codon 1101 of the FANCA protein (p.Ile1101Val). The isoleucine residue is weakly conserved and there is a small physicochemical difference between isoleucine and valine. This variant is not present in population databases (ExAC no frequency). This variant has not been reported in the literature in individuals affected with FANCA-related conditions. Advanced modeling of protein sequence and biophysical properties (such as structural, functional, and spatial information, amino acid conservation, physicochemical variation, residue mobility, and thermodynamic stability) performed at Invitae indicates that this missense variant is not expected to disrupt FANCA protein function. In summary, the available evidence is currently insufficient to determine the role of this variant in disease. Therefore, it has been classified as a Variant of Uncertain Significance.

NM_000135.4(FANCA):c.3301A>G (p.Ile1101Val)

Gene: FANCA (FA complementation group A; minus strand). Cytogenetic location: 16q24.3.
Variant type: single nucleotide variant.
Coding change: c.3301A>G on transcript NM_000135.4 (MANE Select); coding-DNA position 3301, A replaced by G.
Protein change: p.Ile1101Val; replaces isoleucine 1101 with valine.
Molecular consequence: missense variant.
Genome position (GRCh38, 1-based): chr16:89,748,706, T>C on the plus strand (A>G on the coding strand, the complement: FANCA is on the minus strand). VCF-style: chr16-89748706-T-C. GRCh37 (hg19) VCF-style: chr16-89815114-T-C.
Other names: c.3301A>G, p.Ile1101Val (NM_001286167.3); c.3301A>G (NM_000135.2); short protein forms I1101V.
Identifiers: ClinVar variation 1008159 (VCV001008159.7), dbSNP rs2038475500, ClinGen allele CA397486285.